The following is an entry in ClinVar:

NM_001319074.4(RAX2):c.*45C>T

Gene: RAX2 (retina and anterior neural fold homeobox 2; minus strand). Cytogenetic location: 19p13.3.
Variant type: single nucleotide variant.
Coding change: c.*45C>T on transcript NM_001319074.4 (MANE Select); 45 bases downstream of the stop codon, C replaced by T.
Molecular consequence: 3 prime UTR variant.
Genome position (GRCh38, 1-based): chr19:3,770,576, G>A on the plus strand (C>T on the coding strand, the complement: RAX2 is on the minus strand). VCF-style: chr19-3770576-G-A. GRCh37 (hg19) VCF-style: chr19-3770574-G-A.
Other names: c.*45C>T (NM_032753.4).
Identifiers: ClinVar variation 328964 (VCV000328964.6), dbSNP rs139146360, ClinGen allele CA9085021.

ClinVar aggregate classification (germline): Benign/Likely benign. Review status: criteria provided, multiple submitters, no conflicts (2 of 4 stars). 3 submissions from 2 submitters: Benign (1); Likely benign (2). Last evaluated 2018-01-12.

Conditions:
Cone-rod dystrophy 11 (CORD11). Identifiers: Orphanet 1872, MedGen C1835865, MONDO:0012483, OMIM 610381.
Age related macular degeneration 6. Identifiers: MedGen C3151060, MONDO:0013406, OMIM 613757.

Allele frequency attached by ClinVar (database versions not stated): gnomAD exomes 0.00021 and 0.00044; ExAC 0.00040; gnomAD 0.00119 and 0.00120; TOPMed 0.00121; 1000 Genomes Project 30x 0.00172; 1000 Genomes Project 0.00200.
gnomAD v4.1: 495 of 1,502,470 alleles (0.033%); highest among the groups gnomAD compares: Middle Eastern, 0.35%; 1 homozygote.

Submissions (3):

Illumina Laboratory Services, Illumina
Classification: Likely benign for Age related macular degeneration 6. Last evaluated: 2018-01-12. Review status: criteria provided, single submitter. Criteria: ICSL Variant Classification Criteria 13 December 2019. Collection method: clinical testing. Allele origin: germline.
Comment: This variant was observed in the ICSL laboratory as part of a predisposition screen in an ostensibly healthy population. It had not been previously curated by ICSL or reported in the Human Gene Mutation Database (HGMD: prior to June 1st, 2018), and was therefore a candidate for classification through an automated scoring system. Utilizing variant allele frequency, disease prevalence and penetrance estimates, and inheritance mode, an automated score was calculated to assess if this variant is too frequent to cause the disease. Based on the score and internal cut-off values, a variant classified as likely benign is not then subjected to further curation. The score for this variant resulted in a classification of likely benign for this disease.

Illumina Laboratory Services, Illumina
Classification: Benign for Cone-rod dystrophy 11. Last evaluated: 2018-01-12. Review status: criteria provided, single submitter. Criteria: ICSL Variant Classification Criteria 13 December 2019. Collection method: clinical testing. Allele origin: germline.
Comment: This variant was observed in the ICSL laboratory as part of a predisposition screen in an ostensibly healthy population. It had not been previously curated by ICSL or reported in the Human Gene Mutation Database (HGMD: prior to June 1st, 2018), and was therefore a candidate for classification through an automated scoring system. Utilizing variant allele frequency, disease prevalence and penetrance estimates, and inheritance mode, an automated score was calculated to assess if this variant is too frequent to cause the disease. Based on the score and internal cut-off values, a variant classified as benign is not then subjected to further curation. The score for this variant resulted in a classification of benign for this disease.

Breakthrough Genomics
Classification: Likely benign. Review status: criteria provided, single submitter. Criteria: ACMG Guidelines, 2015. Collection method: not provided. Allele origin: germline. Inheritance: Autosomal recessive inheritance. Affected: yes.